The following is an entry in ClinVar:

ClinVar aggregate classification (germline): Uncertain significance (1 of 4 stars; one submission).

Submission:

Labcorp Genetics (formerly Invitae), Labcorp
Classification: Uncertain significance. Last evaluated: 2022-12-25. Review status: criteria provided, single submitter. Criteria: Invitae Variant Classification Sherloc (09022015). Collection method: clinical testing. Allele origin: germline.
Comment: This sequence change replaces glutamine, which is neutral and polar, with histidine, which is basic and polar, at codon 284 of the VCAN protein (p.Gln284His). This variant is not present in population databases (gnomAD no frequency). This variant has not been reported in the literature in individuals affected with VCAN-related conditions. Algorithms developed to predict the effect of missense changes on protein structure and function output the following: SIFT: "Tolerated"; PolyPhen-2: "Benign"; Align-GVGD: "Class C0". The histidine amino acid residue is found in multiple mammalian species, which suggests that this missense change does not adversely affect protein function. In summary, the available evidence is currently insufficient to determine the role of this variant in disease. Therefore, it has been classified as a Variant of Uncertain Significance.

NM_004385.5(VCAN):c.852G>T (p.Gln284His)

Gene: VCAN (versican; plus strand). Cytogenetic location: 5q14.3.
Variant type: single nucleotide variant.
Coding change: c.852G>T on transcript NM_004385.5 (MANE Select); coding-DNA position 852, G replaced by T.
Protein change: p.Gln284His; replaces glutamine 284 with histidine.
Molecular consequence: missense variant.
Genome position (GRCh38, 1-based): chr5:83,512,206, G>T. VCF-style: chr5-83512206-G-T. GRCh37 (hg19) VCF-style: chr5-82808025-G-T.
Other names: c.852G>T, p.Gln284His (NM_001126336.3, NM_001164097.2, NM_001164098.2); short protein forms Q284H.
Identifiers: ClinVar variation 2416925 (VCV002416925.5), dbSNP rs2479023250, ClinGen allele CA360298047.